The following is an entry in ClinVar:

ClinVar aggregate classification (germline): Uncertain significance (1 of 4 stars; one submission).

Conditions:
Hereditary cancer-predisposing syndrome. Also called: Neoplastic Syndromes, Hereditary; Tumor predisposition; Hereditary Cancer Syndrome; Hereditary neoplastic syndrome. Identifiers: Orphanet 140162, MedGen C0027672, MeSH D009386, MONDO:0015356.

Submission:

Ambry Genetics
Classification: Uncertain significance for Hereditary cancer-predisposing syndrome. Last evaluated: 2025-04-20. Review status: criteria provided, single submitter. Criteria: Ambry Variant Classification Scheme 2023. Collection method: clinical testing. Allele origin: germline.
Comment: The p.D555H variant (also known as c.1663G>C), located in coding exon 15 of the POLE gene, results from a G to C substitution at nucleotide position 1663. The aspartic acid at codon 555 is replaced by histidine, an amino acid with similar properties. This amino acid position is conserved. In addition, this alteration is predicted to be deleterious by in silico analysis. Since supporting evidence is limited at this time, the clinical significance of this alteration remains unclear.

NM_006231.4(POLE):c.1663G>C (p.Asp555His)

Gene: POLE (DNA polymerase epsilon, catalytic subunit; minus strand). Cytogenetic location: 12q24.33.
Variant type: single nucleotide variant.
Coding change: c.1663G>C on transcript NM_006231.4 (MANE Select); coding-DNA position 1663, G replaced by C.
Protein change: p.Asp555His; replaces aspartic acid 555 with histidine.
Molecular consequence: missense variant.
Genome position (GRCh38, 1-based): chr12:132,672,650, C>G on the plus strand (G>C on the coding strand, the complement: POLE is on the minus strand). VCF-style: chr12-132672650-C-G. GRCh37 (hg19) VCF-style: chr12-133249236-C-G.
Other names: short protein forms D555H.
Identifiers: ClinVar variation 1777534 (VCV001777534.3), dbSNP rs778763440, ClinGen allele CA387356514.